The following is an entry in ClinVar:

ClinVar aggregate classification (germline): Uncertain significance (1 of 4 stars; one submission).

Submission:

Ambry Genetics
Classification: Uncertain significance. Last evaluated: 2024-11-14. Review status: criteria provided, single submitter. Criteria: Ambry Variant Classification Scheme 2023. Collection method: clinical testing. Allele origin: germline.
Comment: The p.R2505L variant (also known as c.7514G>T), located in coding exon 28 of the POLQ gene, results from a G to T substitution at nucleotide position 7514. The arginine at codon 2505 is replaced by leucine, an amino acid with dissimilar properties. This amino acid position is conserved. In addition, this alteration is predicted to be tolerated by in silico analysis. Based on the available evidence, the clinical significance of this variant remains unclear.

NM_199420.4(POLQ):c.7514G>T (p.Arg2505Leu)

Gene: POLQ (DNA polymerase theta; minus strand). Cytogenetic location: 3q13.33.
Variant type: single nucleotide variant.
Coding change: c.7514G>T on transcript NM_199420.4 (MANE Select); coding-DNA position 7514, G replaced by T.
Protein change: p.Arg2505Leu; replaces arginine 2505 with leucine.
Molecular consequence: missense variant.
Genome position (GRCh38, 1-based): chr3:121,436,151, C>A on the plus strand (G>T on the coding strand, the complement: POLQ is on the minus strand). VCF-style: chr3-121436151-C-A. GRCh37 (hg19) VCF-style: chr3-121154998-C-A.
Other names: short protein forms R2505L.
Identifiers: ClinVar variation 3422663 (VCV003422663.1).